The following is an entry in ClinVar:

NM_058216.3(RAD51C):c.838-14T>C

Gene: RAD51C (RAD51 paralog C; plus strand). Cytogenetic location: 17q22.
Variant type: single nucleotide variant.
Coding change: c.838-14T>C on transcript NM_058216.3 (MANE Select); 14 bases into the intron before coding-DNA position 838, T replaced by C.
Molecular consequence: intron variant.
Genome position (GRCh38, 1-based): chr17:58,720,732, T>C. VCF-style: chr17-58720732-T-C. GRCh37 (hg19) VCF-style: chr17-56798093-T-C.
Identifiers: ClinVar variation 2789798 (VCV002789798.4), dbSNP rs963950694, ClinGen allele CA292067680.

ClinVar aggregate classification (germline): Likely benign. Review status: criteria provided, multiple submitters, no conflicts (2 of 4 stars). 2 submissions from 2 submitters: Likely benign (2). Last evaluated 2025-11-03.

Conditions:
Fanconi anemia complementation group O. Also called: RAD51C-Related Fanconi Anemia. Identifiers: Orphanet 84, MedGen C3150653, MONDO:0013248, OMIM 613390.
Breast-ovarian cancer, familial, susceptibility to, 3. Also called: RAD51C-Related Breast/Ovarian Cancer. Identifiers: Orphanet 145, MedGen C3150659, MONDO:0013253, OMIM 613399.

Allele frequency attached by ClinVar (database versions not stated): gnomAD exomes below 0.00001.
gnomAD v4.1: 1 of 1,597,206 alleles (0.000063%); highest among the groups gnomAD compares: Non-Finnish European, 0.000086%; no homozygotes.

Submissions (2):

Labcorp Genetics (formerly Invitae), Labcorp
Classification: Likely benign for Fanconi anemia complementation group O. Last evaluated: 2025-11-03. Review status: criteria provided, single submitter. Criteria: Invitae Variant Classification Sherloc (09022015). Collection method: clinical testing. Allele origin: germline.

Myriad Genetics, Inc.
Classification: Likely benign for Breast-ovarian cancer, familial, susceptibility to, 3. Last evaluated: 2025-02-19. Review status: criteria provided, single submitter. Criteria: Myriad Autosomal Dominant, Autosomal Recessive and X-Linked Classification Criteria (2023). Collection method: clinical testing. Allele origin: unknown.
Comment: This variant is considered likely benign. This variant is intronic and is not expected to impact mRNA splicing.